The following is an entry in ClinVar:

ClinVar aggregate classification (germline): Uncertain significance (1 of 4 stars; one submission).

Submission:

Labcorp Genetics (formerly Invitae), Labcorp
Classification: Uncertain significance. Last evaluated: 2023-06-10. Review status: criteria provided, single submitter. Criteria: Invitae Variant Classification Sherloc (09022015). Collection method: clinical testing. Allele origin: germline.
Comment: This sequence change replaces isoleucine, which is neutral and non-polar, with methionine, which is neutral and non-polar, at codon 484 of the MBTPS2 protein (p.Ile484Met). This variant is not present in population databases (gnomAD no frequency). In summary, the available evidence is currently insufficient to determine the role of this variant in disease. Therefore, it has been classified as a Variant of Uncertain Significance. An algorithm developed to predict the effect of missense changes on protein structure and function (PolyPhen-2) suggests that this variant is likely to be disruptive. This variant has not been reported in the literature in individuals affected with MBTPS2-related conditions.

NM_015884.4(MBTPS2):c.1452T>G (p.Ile484Met)

Gene: MBTPS2 (membrane bound transcription factor peptidase, site 2; plus strand). Cytogenetic location: Xp22.12.
Variant type: single nucleotide variant.
Coding change: c.1452T>G on transcript NM_015884.4 (MANE Select); coding-DNA position 1452, T replaced by G.
Protein change: p.Ile484Met; replaces isoleucine 484 with methionine.
Molecular consequence: missense variant.
Genome position (GRCh38, 1-based): chrX:21,882,547, T>G. VCF-style: chrX-21882547-T-G. GRCh37 (hg19) VCF-style: chrX-21900665-T-G.
Other names: short protein forms I484M.
Identifiers: ClinVar variation 2787418 (VCV002787418.3), dbSNP rs2519592040, ClinGen allele CA412570572.